The following is an entry in ClinVar:

ClinVar aggregate classification (germline): Uncertain significance. Review status: criteria provided, multiple submitters, no conflicts (2 of 4 stars). 2 submissions from 2 submitters: Uncertain significance (2). Last evaluated 2025-12-15.

Conditions:
Inborn genetic diseases. Identifiers: MedGen C0950123, MeSH D030342.
NEK1-related disorder. Also called: NEK1-related condition.

Submissions (2):

PreventionGenetics, part of Exact Sciences
Classification: Uncertain significance for NEK1-related condition. Last evaluated: 2025-12-15. Review status: criteria provided, single submitter. Criteria: ACMG Guidelines, 2015. Collection method: clinical testing. Allele origin: germline.
Comment: The NEK1 c.29T>C variant is predicted to result in the amino acid substitution p.Ile10Thr. To our knowledge, this variant has not been reported in the literature. This variant is reported in 0.0083% of alleles in individuals of African descent in gnomAD. At this time, the clinical significance of this variant is uncertain due to the absence of conclusive functional and genetic evidence.

Ambry Genetics
Classification: Uncertain significance for Inborn genetic diseases. Last evaluated: 2025-10-02. Review status: criteria provided, single submitter. Criteria: Ambry Variant Classification Scheme 2023. Collection method: clinical testing. Allele origin: germline.
Comment: The c.29T>C (p.I10T) alteration is located in exon 2 (coding exon 1) of the NEK1 gene. This alteration results from a T to C substitution at nucleotide position 29, causing the isoleucine (I) at amino acid position 10 to be replaced by a threonine (T). Based on data from gnomAD, the C allele has an overall frequency of 0.001% (4/280082) total alleles studied. The highest observed frequency was 0.008% (2/24174) of African alleles. Based on insufficient or conflicting evidence, the clinical significance of this alteration remains unclear.

NM_001199397.3(NEK1):c.29T>C (p.Ile10Thr)

Gene: NEK1 (NIMA related kinase 1; minus strand). Cytogenetic location: 4q33.
Variant type: single nucleotide variant.
Coding change: c.29T>C on transcript NM_001199397.3 (MANE Select); coding-DNA position 29, T replaced by C.
Protein change: p.Ile10Thr; replaces isoleucine 10 with threonine.
Molecular consequence: missense variant. On other transcripts: 5 prime UTR variant (2), non-coding transcript variant (2).
Genome position (GRCh38, 1-based): chr4:169,602,602, A>G on the plus strand (T>C on the coding strand, the complement: NEK1 is on the minus strand). VCF-style: chr4-169602602-A-G. GRCh37 (hg19) VCF-style: chr4-170523753-A-G.
Other names: c.29T>C, p.Ile10Thr (NM_001199398.3, NM_001199399.3, NM_001199400.3 and 11 more transcripts); c.-495T>C (NM_001440624.1, NM_001440625.1); short protein forms I10T.
Identifiers: ClinVar variation 4626038 (VCV004626038.2).